The following is an entry in ClinVar:

NM_000439.5(PCSK1):c.1061C>G (p.Ser354Cys)

Genes: CAST (calpastatin; plus strand), PCSK1 (proprotein convertase subtilisin/kexin type 1; minus strand), LOC101929710 (uncharacterized LOC101929710; plus strand). Cytogenetic location: 5q15.
Variant type: single nucleotide variant.
Coding change: c.1061C>G on transcript NM_000439.5 (MANE Select); coding-DNA position 1061, C replaced by G.
Protein change: p.Ser354Cys; replaces serine 354 with cysteine.
Molecular consequence: missense variant. On other transcripts: intron variant (11).
Genome position (GRCh38, 1-based): chr5:96,410,808, G>C on the plus strand (C>G on the coding strand, the complement: PCSK1 is on the minus strand). VCF-style: chr5-96410808-G-C. GRCh37 (hg19) VCF-style: chr5-95746512-G-C.
Other names: c.920C>G, p.Ser307Cys (NM_001177875.2); c.-175+31156G>C (NM_001423254.1, NM_001423259.1, NM_001423255.1 and 6 more transcripts); c.-103+31156G>C (NM_001423253.1); c.-40+31156G>C (NM_001423258.1); short protein forms S307C, S354C.
Identifiers: ClinVar variation 3030302 (VCV003030302.3), dbSNP rs780863842, ClinGen allele CA3350316.

ClinVar aggregate classification (germline): Uncertain significance (1 of 4 stars; one submission).

Conditions:
PCSK1-related disorder. Also called: PCSK1-related condition.

Allele frequency attached by ClinVar (database versions not stated): gnomAD exomes below 0.00001; TOPMed 0.00001; ExAC 0.00001; gnomAD 0.00001.
gnomAD v4.1: 6 of 1,614,020 alleles (0.00037%); highest among the groups gnomAD compares: Non-Finnish European, 0.00051%; no homozygotes.

Submission:

PreventionGenetics, part of Exact Sciences
Classification: Uncertain significance for PCSK1-related condition. Last evaluated: 2026-03-14. Review status: criteria provided, single submitter. Criteria: ACMG Guidelines, 2015. Collection method: clinical testing. Allele origin: germline.
Comment: The PCSK1 c.1061C>G variant is predicted to result in the amino acid substitution p.Ser354Cys. This variant was observed in a cohort of individuals with obesity, and in vitro functional studies showed inconclusive evidence of loss of function (Supplemental Data Set, Shah et al. 2023. PubMed ID: 36864747). This variant is reported in 0.0018% of alleles in individuals of European (non-Finnish) descent in gnomAD. At this time, the clinical significance of this variant is uncertain due to the absence of conclusive functional and genetic evidence.